The following is an entry in ClinVar:

NM_000466.3(PEX1):c.2059C>T (p.Arg687Trp)

Gene: PEX1 (peroxisomal biogenesis factor 1; minus strand). Cytogenetic location: 7q21.2.
Variant type: single nucleotide variant.
Coding change: c.2059C>T on transcript NM_000466.3 (MANE Select); coding-DNA position 2059, C replaced by T.
Protein change: p.Arg687Trp; replaces arginine 687 with tryptophan.
Molecular consequence: missense variant. On other transcripts: intron variant (1).
Genome position (GRCh38, 1-based): chr7:92,504,744, G>A on the plus strand (C>T on the coding strand, the complement: PEX1 is on the minus strand). VCF-style: chr7-92504744-G-A. GRCh37 (hg19) VCF-style: chr7-92134058-G-A.
Other names: c.1435C>T, p.Arg479Trp (NM_001282678.2); c.1900+1504C>T (NM_001282677.2); short protein forms R479W, R687W.
Identifiers: ClinVar variation 1034227 (VCV001034227.12), dbSNP rs138008298, ClinGen allele CA4341226.
Genomic context (GRCh38, chr7:92,504,744, plus strand): 5'-CTGACTGACAAAAGAACAAGACCTTAAGCCAGTGGTGGATGCATTTACCATGAGCAAGCC[G>A]CTGGCTCTGCACCGCATCAGGACTGTGCTCATGTTCCGGGACAGCAGGCAGTCCAGCAAT-3'
Protein context (NP_000457.1, residues 677-697): EHSPDAVQSQ[Arg687Trp]LAHALNDMIK

ClinVar aggregate classification (germline): Uncertain significance. Review status: criteria provided, multiple submitters, no conflicts (2 of 4 stars). 6 submissions from 6 submitters: Uncertain significance (5). 1 of the submissions does not count toward it. Last evaluated 2026-09-16.

Conditions:
Zellweger spectrum disorders (ZS). Also called: Zellweger Spectrum Disorder; Zellweger Spectrum; Zellweger syndrome; Zellweger Spectrum Disorder (ZSD). Identifiers: Orphanet 912, MedGen C0043459, MONDO:0019609.
PEX1-related disorder. Also called: PEX1-related condition.
Inborn genetic diseases. Identifiers: MedGen C0950123, MeSH D030342.
Heimler syndrome 1 (HMLR1). Also called: PEROXISOME BIOGENESIS DISORDER 1C. Identifiers: Orphanet 3220, MedGen C4551980, OMIM 234580, MONDO:0024544.

Allele frequency attached by ClinVar (database versions not stated): ExAC 0.00004; gnomAD 0.00004; TOPMed 0.00005; ESP Exome Variant Server 0.00008; gnomAD exomes 0.00008.
gnomAD v4.1: 56 of 1,613,870 alleles (0.0035%); highest among the groups gnomAD compares: Admixed American, 0.033%; no homozygotes.

Submissions (6):

PreventionGenetics, part of Exact Sciences
Classification: Uncertain significance for PEX1-related condition. Last evaluated: 2026-09-16. Review status: criteria provided, single submitter. Criteria: ACMG Guidelines, 2015. Collection method: clinical testing. Allele origin: germline.
Comment: The PEX1 c.2059C>T variant is predicted to result in the amino acid substitution p.Arg687Trp. To our knowledge, this variant has not been reported in the literature. This variant is reported in 0.051% of alleles in individuals of Latino descent in gnomAD. At this time, the clinical significance of this variant is uncertain due to the absence of conclusive functional and genetic evidence.

Labcorp Genetics (formerly Invitae), Labcorp
Classification: Uncertain significance for Zellweger spectrum disorders. Last evaluated: 2025-01-27. Review status: criteria provided, single submitter. Criteria: Invitae Variant Classification Sherloc (09022015). Collection method: clinical testing. Allele origin: germline.
Comment: This sequence change replaces arginine, which is basic and polar, with tryptophan, which is neutral and slightly polar, at codon 687 of the PEX1 protein (p.Arg687Trp). This variant is present in population databases (rs138008298, gnomAD 0.05%). This variant has not been reported in the literature in individuals affected with PEX1-related conditions. ClinVar contains an entry for this variant (Variation ID: 1034227). Invitae Evidence Modeling of protein sequence and biophysical properties (such as structural, functional, and spatial information, amino acid conservation, physicochemical variation, residue mobility, and thermodynamic stability) indicates that this missense variant is expected to disrupt PEX1 protein function with a positive predictive value of 95%. In summary, the available evidence is currently insufficient to determine the role of this variant in disease. Therefore, it has been classified as a Variant of Uncertain Significance.

Blueprint Genetics
Classification: Uncertain significance. Last evaluated: 2022-02-11. Review status: criteria provided, single submitter. Criteria: ACMG Guidelines, 2015. Collection method: clinical testing. Allele origin: germline.

Ambry Genetics
Classification: Uncertain significance for Inborn genetic diseases. Last evaluated: 2021-10-26. Review status: criteria provided, single submitter. Criteria: Ambry Variant Classification Scheme 2023. Collection method: clinical testing. Allele origin: germline.

Baylor Genetics
Classification: Uncertain significance for Heimler syndrome 1. Last evaluated: 2018-01-29. Review status: criteria provided, single submitter. Criteria: ACMG Guidelines, 2015. Collection method: clinical testing. Allele origin: unknown. Affected: yes.
Comment: This variant was determined to be of uncertain significance according to ACMG Guidelines, 2015 [PMID:25741868].

Natera, Inc.
Classification: Uncertain significance for Zellweger syndrome. Last evaluated: 2018-04-30. Review status: no assertion criteria provided. Collection method: clinical testing. Allele origin: germline. Not counted in ClinVar's aggregate classification.